The following is an entry in ClinVar:

NM_007294.4(BRCA1):c.4992dup (p.Val1665fs)

Gene: BRCA1 (BRCA1 DNA repair associated; minus strand). Cytogenetic location: 17q21.31.
Variant type: Duplication.
Coding change: c.4992dup on transcript NM_007294.4 (MANE Select); coding-DNA position 4992, one base duplicated (C; older notation c.4992dupC).
Protein change: p.Val1665fs; shifts the reading frame from valine 1665.
Molecular consequence: frameshift variant. On other transcripts: non-coding transcript variant (1).
Genome position (GRCh38, 1-based): chr17:43,067,690, G duplicated on the plus strand (C on the coding strand, the reverse complement: BRCA1 is on the minus strand). VCF-style (leftmost placement, unchanged base first): chr17-43067689-C-CG. GRCh37 (hg19) VCF-style: chr17-41219706-C-CG.
Other names: c.1470dup, p.Val491Argfs (NM_001408491.1, NM_001408484.1, NM_001408485.1 and 5 more transcripts); c.1467dup, p.Val490Argfs (NM_001408492.1, NM_001408493.1); c.1443dup, p.Val482Argfs (NM_001408494.1); c.4863dup, p.Val1622Argfs (NM_001407683.1, NM_001407685.1, NM_001407686.1 and 6 more transcripts); c.4992dup, p.Val1665Argfs (NM_001407684.1, NM_001407854.1, NM_001407593.1 and 8 more transcripts); c.4860dup, p.Val1621Argfs (NM_001407690.1, NM_001407691.1); c.4851dup, p.Val1618Argfs (NM_001407692.1, NM_001407694.1, NM_001407695.1 and 12 more transcripts); c.4848dup, p.Val1617Argfs (NM_001407732.1, NM_001407733.1, NM_001407734.1 and 21 more transcripts); and 74 more; short protein forms V1665fs, V1686fs, V1618fs, V561fs.
Identifiers: ClinVar variation 1744611 (VCV001744611.3), dbSNP rs2550384637, ClinGen allele CA2580093964.

ClinVar aggregate classification (germline): Pathogenic (1 of 4 stars; one submission).

Conditions:
Hereditary cancer-predisposing syndrome. Also called: Hereditary Cancer Syndrome; Neoplastic Syndromes, Hereditary; Tumor predisposition; Hereditary neoplastic syndrome. Identifiers: Orphanet 140162, MedGen C0027672, MeSH D009386, MONDO:0015356.

Submission:

Ambry Genetics
Classification: Pathogenic for Hereditary cancer-predisposing syndrome. Last evaluated: 2025-11-14. Review status: criteria provided, single submitter. Criteria: Ambry Variant Classification Scheme 2023. Collection method: clinical testing. Allele origin: germline.
Comment: The c.4992dupC pathogenic mutation, located in coding exon 15 of the BRCA1 gene, results from a duplication of C at nucleotide position 4992, causing a translational frameshift with a predicted alternate stop codon (p.V1665Rfs*14). This variant is considered to be rare based on population cohorts in the Genome Aggregation Database (gnomAD). This alteration is expected to result in loss of function by premature protein truncation or nonsense-mediated mRNA decay. As such, this alteration is interpreted as a disease-causing mutation.